The following is an entry in ClinVar:

NM_001369.3(DNAH5):c.4651G>A (p.Val1551Met)

Genes: DNAH5 (dynein axonemal heavy chain 5; minus strand), DNAH5-AS1 (DNAH5 antisense RNA 1; plus strand). Cytogenetic location: 5p15.2.
Variant type: single nucleotide variant.
Coding change: c.4651G>A on transcript NM_001369.3 (MANE Select); coding-DNA position 4651, G replaced by A.
Protein change: p.Val1551Met; replaces valine 1551 with methionine.
Molecular consequence: missense variant.
Genome position (GRCh38, 1-based): chr5:13,862,693, C>T on the plus strand (G>A on the coding strand, the complement: DNAH5 is on the minus strand). VCF-style: chr5-13862693-C-T. GRCh37 (hg19) VCF-style: chr5-13862802-C-T.
Other names: short protein forms V1551M.
Identifiers: ClinVar variation 5006840 (VCV005006840.2).

ClinVar aggregate classification (germline): Uncertain significance (1 of 4 stars; one submission).

Conditions:
Primary ciliary dyskinesia 3. Identifiers: Orphanet 244, MedGen C1837618, MONDO:0012085, OMIM 608644.

gnomAD v4.1: 1 of 1,614,018 alleles (0.000062%); highest among the groups gnomAD compares: Non-Finnish European, 0.000085%; no homozygotes.

Submission:

Juno Genomics, Hangzhou Juno Genomics, Inc
Classification: Uncertain significance for Primary ciliary dyskinesia 3. Review status: criteria provided, single submitter. Criteria: ACMG Guidelines, 2015. Collection method: clinical testing. Allele origin: germline.
Comment: Absent from controls (or at extremely low frequency if recessive) in Genome Aggregation Database.